The following is an entry in ClinVar:

ClinVar aggregate classification (germline): Uncertain significance (1 of 4 stars; one submission).

Submission:

Labcorp Genetics (formerly Invitae), Labcorp
Classification: Uncertain significance. Last evaluated: 2023-02-16. Review status: criteria provided, single submitter. Criteria: Invitae Variant Classification Sherloc (09022015). Collection method: clinical testing. Allele origin: germline.
Comment: This variant is not present in population databases (gnomAD no frequency). In summary, the available evidence is currently insufficient to determine the role of this variant in disease. Therefore, it has been classified as a Variant of Uncertain Significance. Advanced modeling of protein sequence and biophysical properties (such as structural, functional, and spatial information, amino acid conservation, physicochemical variation, residue mobility, and thermodynamic stability) has been performed at Invitae for this missense variant, however the output from this modeling did not meet the statistical confidence thresholds required to predict the impact of this variant on SCN3A protein function. This variant has not been reported in the literature in individuals affected with SCN3A-related conditions. This sequence change replaces alanine, which is neutral and non-polar, with glycine, which is neutral and non-polar, at codon 121 of the SCN3A protein (p.Ala121Gly).

NM_006922.4(SCN3A):c.362C>G (p.Ala121Gly)

Gene: SCN3A (sodium voltage-gated channel alpha subunit 3; minus strand). Cytogenetic location: 2q24.3.
Variant type: single nucleotide variant.
Coding change: c.362C>G on transcript NM_006922.4 (MANE Select); coding-DNA position 362, C replaced by G.
Protein change: p.Ala121Gly; replaces alanine 121 with glycine.
Molecular consequence: missense variant.
Genome position (GRCh38, 1-based): chr2:165,170,451, G>C on the plus strand (C>G on the coding strand, the complement: SCN3A is on the minus strand). VCF-style: chr2-165170451-G-C. GRCh37 (hg19) VCF-style: chr2-166026961-G-C.
Other names: c.362C>G, p.Ala121Gly (NM_001081676.2, NM_001081677.2); short protein forms A121G.
Identifiers: ClinVar variation 2806320 (VCV002806320.3), dbSNP rs2468530347, ClinGen allele CA349240455.